The following is an entry in ClinVar:

NM_001853.4(COL9A3):c.292G>C (p.Gly98Arg)

Gene: COL9A3 (collagen type IX alpha 3 chain; plus strand). Cytogenetic location: 20q13.33.
Variant type: single nucleotide variant.
Coding change: c.292G>C on transcript NM_001853.4 (MANE Select); coding-DNA position 292, G replaced by C.
Protein change: p.Gly98Arg; replaces glycine 98 with arginine.
Molecular consequence: missense variant.
Genome position (GRCh38, 1-based): chr20:62,819,965, G>C. VCF-style: chr20-62819965-G-C. GRCh37 (hg19) VCF-style: chr20-61451317-G-C.
Other names: short protein forms G98R.
Identifiers: ClinVar variation 3718137 (VCV003718137.2).

ClinVar aggregate classification (germline): Uncertain significance (1 of 4 stars; one submission).

gnomAD v4.1: 10 of 1,612,888 alleles (0.00062%); highest among the groups gnomAD compares: Non-Finnish European, 0.00085%; no homozygotes.

Submission:

Labcorp Genetics (formerly Invitae), Labcorp
Classification: Uncertain significance. Last evaluated: 2025-03-06. Review status: criteria provided, single submitter. Criteria: Invitae Variant Classification Sherloc (09022015). Collection method: clinical testing. Allele origin: germline.
Comment: This sequence change replaces glycine, which is neutral and non-polar, with arginine, which is basic and polar, at codon 98 of the COL9A3 protein (p.Gly98Arg). This variant is not present in population databases (gnomAD no frequency). This variant has not been reported in the literature in individuals affected with COL9A3-related conditions. Invitae Evidence Modeling of protein sequence and biophysical properties (such as structural, functional, and spatial information, amino acid conservation, physicochemical variation, residue mobility, and thermodynamic stability) indicates that this missense variant is expected to disrupt COL9A3 protein function with a positive predictive value of 95%. In summary, the available evidence is currently insufficient to determine the role of this variant in disease. Therefore, it has been classified as a Variant of Uncertain Significance.